The following is an entry in ClinVar:

ClinVar aggregate classification (germline): Likely benign (1 of 4 stars; one submission).

Allele frequency attached by ClinVar (database versions not stated): ExAC 0.00027; gnomAD 0.00202; 1000 Genomes Project 30x 0.00406.

Submission:

CeGaT Center for Human Genetics Tuebingen
Classification: Likely benign. Last evaluated: 2023-08-01. Review status: criteria provided, single submitter. Criteria: CeGaT Center For Human Genetics Tuebingen Variant Classification Criteria Version 2. Collection method: clinical testing. Allele origin: germline. Affected: yes. Observed: 1 variant allele.
Comment: MUC21: BP4, BP7

NM_001010909.5(MUC21):c.825C>T (p.Ser275=)

Genes: MUC21 (mucin 21, cell surface associated; plus strand), LOC126859647 (CDK7 strongly-dependent group 2 enhancer GRCh37_chr6:30954612-30955811; plus strand). Cytogenetic location: 6p21.33.
Variant type: single nucleotide variant.
Coding change: c.825C>T on transcript NM_001010909.5 (MANE Select); coding-DNA position 825, C replaced by T.
Protein change: p.Ser275=; no amino-acid change (serine 275 retained).
Molecular consequence: synonymous variant. On other transcripts: non-coding transcript variant (1).
Genome position (GRCh38, 1-based): chr6:30,987,000, C>T. VCF-style: chr6-30987000-C-T. GRCh37 (hg19) VCF-style: chr6-30954777-C-T.
Other names: c.915C>T, p.Ser305= (NM_001322370.2, NM_001322371.2).
Identifiers: ClinVar variation 2656359 (VCV002656359.24), dbSNP rs77386732, ClinGen allele CA3707305.